The following is an entry in ClinVar:

NM_006445.4(PRPF8):c.6928A>G (p.Arg2310Gly)

Gene: PRPF8 (pre-mRNA processing factor 8; minus strand). Cytogenetic location: 17p13.3.
Variant type: single nucleotide variant.
Coding change: c.6928A>G on transcript NM_006445.4 (MANE Select); coding-DNA position 6928, A replaced by G.
Protein change: p.Arg2310Gly; replaces arginine 2310 with glycine.
Molecular consequence: missense variant.
Genome position (GRCh38, 1-based): chr17:1,650,882, T>C on the plus strand (A>G on the coding strand, the complement: PRPF8 is on the minus strand). VCF-style: chr17-1650882-T-C. GRCh37 (hg19) VCF-style: chr17-1554176-T-C.
Other names: NP_006436.3:p.(Arg2310Gly); short protein forms R2310G.
Identifiers: ClinVar variation 438226 (VCV000438226.21), dbSNP rs752997229, ClinGen allele CA397562024.

ClinVar aggregate classification (germline): Pathogenic/Likely pathogenic. Review status: criteria provided, multiple submitters, no conflicts (2 of 4 stars). 11 submissions from 11 submitters: Pathogenic (6); Likely pathogenic (2). 3 of the submissions do not count toward it. Last evaluated 2025-02-27.

Conditions:
PRPF8-related disorder. Also called: PRPF8-related condition.
Retinitis pigmentosa (RP). Identifiers: Orphanet 791, MedGen C0035334, MeSH D012174, MONDO:0019200, OMIM 268000. Inheritance: Autosomal dominant, autosomal recessive and X linked inheritance.
Retinitis pigmentosa 13 (RP13). Also called: PRPF 8-Related Retinitis Pigmentosa. Identifiers: Orphanet 791, MedGen C1838702, MONDO:0010806, OMIM 600059.
Retinal dystrophy. Also called: Inherited retinal dystrophy. Identifiers: Orphanet 71862, MedGen C0854723, MeSH D058499, MONDO:0019118, HP:0000556.
Autosomal dominant retinitis pigmentosa. Identifiers: MedGen C0339525.

Submissions (11):

3billion
Classification: Pathogenic for Retinitis pigmentosa 13. Last evaluated: 2025-02-27. Review status: criteria provided, single submitter. Criteria: ACMG Guidelines, 2015. Collection method: clinical testing. Allele origin: germline. Affected: yes.
Comment: The variant is not observed in the gnomAD v4.1.0 dataset. Predicted Consequence/Location: Missense variant. Missense changes are a common disease-causing mechanism. In silico tool predictions suggest damaging effect of the variant on gene or gene product [REVEL: 0.87 (>=0.6, sensitivity 0.68 and specificity 0.92); 3Cnet: 0.98 (> 0.75, sensitivity 0.96 and precision 0.92)]. The same nucleotide change resulting in the same amino acid change has been previously reported as pathogenic/likely pathogenic with strong evidence (ClinVar ID: VCV000438226 /PMID: 11468273 /3billion dataset). Different missense changes at the same codon (p.Arg2310Lys, p.Arg2310Ser) have been reported as pathogenic/likely pathogenic with strong evidence (ClinVar ID: VCV000003357, VCV000030667, VCV002152269 /PMID: 11468273, 20232351, 30360737). Therefore, this variant is classified as Pathogenic according to the recommendation of ACMG/AMP guideline.

Dept Of Ophthalmology, Nagoya University
Classification: Likely pathogenic for Retinal dystrophy. Last evaluated: 2023-10-01. Review status: criteria provided, single submitter. Criteria: Submitter's publication. Collection method: research. Allele origin: germline. Affected: yes.

Ophthalmic Genetics Group, Institute of Molecular and Clinical Ophthalmology Basel
Classification: Pathogenic for Retinitis pigmentosa. Last evaluated: 2023-07-24. Review status: criteria provided, single submitter. Criteria: ACMG Guidelines, 2015. Collection method: research. Allele origin: germline. Affected: yes. Observed: 1 variant allele.
Comment: Clinical significance based on ACMG v2.0

This variant was classified as Pathogenic based on ACMG criteria: PS4, PM2, PM5, PM1, PP3, PP2, PP5.

Labcorp Genetics (formerly Invitae), Labcorp
Classification: Pathogenic. Last evaluated: 2023-07-17. Review status: criteria provided, single submitter. Criteria: Invitae Variant Classification Sherloc (09022015). Collection method: clinical testing. Allele origin: germline.
Comment: For these reasons, this variant has been classified as Pathogenic. Experimental studies have shown that this missense change affects PRPF8 function (PMID: 28515276). Advanced modeling of protein sequence and biophysical properties (such as structural, functional, and spatial information, amino acid conservation, physicochemical variation, residue mobility, and thermodynamic stability) performed at Invitae indicates that this missense variant is expected to disrupt PRPF8 protein function. ClinVar contains an entry for this variant (Variation ID: 438226). This missense change has been observed in individuals with autosomal dominant retinitis pigmentosa (PMID: 11468273, 12714658, 16799052). It has also been observed to segregate with disease in related individuals. This variant is not present in population databases (gnomAD no frequency). This sequence change replaces arginine, which is basic and polar, with glycine, which is neutral and non-polar, at codon 2310 of the PRPF8 protein (p.Arg2310Gly).

Blueprint Genetics
Classification: Pathogenic for PRPF8-related disorders. Last evaluated: 2022-11-02. Review status: criteria provided, single submitter. Criteria: ACMG Guidelines, 2015. Collection method: clinical testing. Allele origin: germline. Affected: yes. Observed: 4 variant alleles.

Broad Center for Mendelian Genomics, Broad Institute of MIT and Harvard
Classification: Pathogenic for Retinitis pigmentosa. Last evaluated: 2021-04-01. Review status: criteria provided, single submitter. Criteria: ACMG Guidelines, 2015. Collection method: curation. Allele origin: germline. Inheritance: Autosomal dominant inheritance. Affected: yes.
Comment: Through a review of available evidence we were able to apply the following criteria: PM2, PP3, PS3, PM1, PP1. Based on this evidence we have classified this variant as Pathogenic. If you have any questions about the classification please reach out to the Pierce Lab.

Institute of Human Genetics, Univ. Regensburg, Univ. Regensburg
Classification: Likely pathogenic for Retinal dystrophy. Last evaluated: 2020-01-01. Review status: criteria provided, single submitter. Criteria: ACMG Guidelines, 2015. Collection method: clinical testing. Allele origin: germline. Affected: yes.

Juno Genomics, Hangzhou Juno Genomics, Inc
Classification: Pathogenic for Retinitis pigmentosa 13. Review status: criteria provided, single submitter. Criteria: ACMG Guidelines, 2015. Collection method: clinical testing. Allele origin: germline. Affected: yes.
Comment: Absent from controls (or at extremely low frequency if recessive) in Genome Aggregation Database, Exome Sequencing Project, 1000 Genomes Project, or Exome Aggregation Consortium.;Well-established in vitro or in vivo functional studies supportive of a damaging effect on the gene or gene product.;Missense variant in a gene that has a low rate of benign missense variation and where missense variants are a common mechanism of disease.;The prevalence of the variant in affected individuals is significantly increased compared to the prevalence in controls.;Patient's phenotype or family history is highly specific for a disease with a single genetic etiology.;Co-segregation with disease in multiple affected family members in a gene definitively known to cause the disease.

Faculty of Health Sciences, Beirut Arab University
Classification: Pathogenic for Autosomal dominant Retinitis Pigmentosa. Last evaluated: 2019-08-11. Review status: no assertion criteria provided. Collection method: literature only. Allele origin: germline. Affected: yes. Observed: 1 variant allele. Not counted in ClinVar's aggregate classification.

NIHR Bioresource Rare Diseases, University of Cambridge
Classification: Likely pathogenic for Retinitis pigmentosa. Last evaluated: 2015-01-01. Review status: no assertion criteria provided. Collection method: research. Allele origin: unknown. Affected: yes. Observed: 1 variant allele. Not counted in ClinVar's aggregate classification.

Genomics England Pilot Project, Genomics England
Classification: Pathogenic for Retinitis pigmentosa 13. Review status: no assertion criteria provided. Criteria: ACGS Guidelines, 2016. Collection method: clinical testing. Allele origin: germline. Affected: yes. Not counted in ClinVar's aggregate classification.

Literature cited by the submitters: PubMed 11468273 (cited by 5 submitters); PubMed 36909829 (cited by Ophthalmic Genetics Group, Institute of Molecular and Clinical Ophthalmology Basel); PubMed 28515276 (cited by Labcorp Genetics (formerly Invitae), Labcorp and Broad Center for Mendelian Genomics, Broad Institute of MIT and Harvard); PubMed 12714658 (cited by Labcorp Genetics (formerly Invitae), Labcorp and Broad Center for Mendelian Genomics, Broad Institute of MIT and Harvard); PubMed 16799052 (cited by Labcorp Genetics (formerly Invitae), Labcorp and Broad Center for Mendelian Genomics, Broad Institute of MIT and Harvard); PubMed 34906470 (cited by Broad Center for Mendelian Genomics, Broad Institute of MIT and Harvard); PubMed 28041643 (cited by Broad Center for Mendelian Genomics, Broad Institute of MIT and Harvard and NIHR Bioresource Rare Diseases, University of Cambridge); PubMed 31725702 (cited by 3 submitters); PubMed 21378395 (cited by Broad Center for Mendelian Genomics, Broad Institute of MIT and Harvard and Institute of Human Genetics, Univ. Regensburg, Univ. Regensburg); PubMed 29847639 (cited by Institute of Human Genetics, Univ. Regensburg, Univ. Regensburg); PubMed 31213501 (cited by Institute of Human Genetics, Univ. Regensburg, Univ. Regensburg); PubMed 33090715 (cited by Institute of Human Genetics, Univ. Regensburg, Univ. Regensburg); PubMed 32581362 (cited by Institute of Human Genetics, Univ. Regensburg, Univ. Regensburg); PubMed 34758253 (cited by Institute of Human Genetics, Univ. Regensburg, Univ. Regensburg).